The following is an entry in ClinVar:

ClinVar aggregate classification (germline): Pathogenic/Likely pathogenic. Review status: criteria provided, multiple submitters, no conflicts (2 of 4 stars). 4 submissions from 4 submitters: Pathogenic (1); Likely pathogenic (3). Last evaluated 2024-04-03.

Conditions:
Morquio syndrome. Also called: Mucopolysaccharidosis, Type IV; MPS IV; Mucopolysaccharidosis type 4; Eccentrochondrodysplasia. Identifiers: Orphanet 582, MedGen C0026707, MONDO:0018938.
Mucopolysaccharidosis, MPS-IV-A (MPS4A). Also called: MORQUIO SYNDROME A; MPS IVA; GALACTOSAMINE-6-SULFATASE DEFICIENCY; GALNS DEFICIENCY; MORQUIO A DISEASE; mucopolysaccharidosis type 4A. Identifiers: Orphanet 309297, Orphanet 582, MedGen C0086651, MONDO:0009659, OMIM 253000.

Submissions (4):

Labcorp Genetics (formerly Invitae), Labcorp
Classification: Pathogenic for Mucopolysaccharidosis, MPS-IV-A. Last evaluated: 2024-04-03. Review status: criteria provided, single submitter. Criteria: Invitae Variant Classification Sherloc (09022015). Collection method: clinical testing. Allele origin: germline.
Comment: This sequence change affects an acceptor splice site in intron 8 of the GALNS gene. It is expected to disrupt RNA splicing. Variants that disrupt the donor or acceptor splice site typically lead to a loss of protein function (PMID: 16199547), and loss-of-function variants in GALNS are known to be pathogenic (PMID: 12442278). This variant is not present in population databases (gnomAD no frequency). Disruption of this splice site has been observed in individual(s) with mucopolysaccharidosis IVA (PMID: 15235041, 24120057; Invitae). ClinVar contains an entry for this variant (Variation ID: 633231). Algorithms developed to predict the effect of sequence changes on RNA splicing suggest that this variant may disrupt the consensus splice site. For these reasons, this variant has been classified as Pathogenic.

Fulgent Genetics
Classification: Likely pathogenic for Mucopolysaccharidosis, MPS-IV-A. Last evaluated: 2024-02-18. Review status: criteria provided, single submitter. Criteria: ACMG Guidelines, 2015. Collection method: clinical testing. Allele origin: germline.

Laboratory of Diagnosis and Therapy of Lysosomal Disorders, University of Padova
Classification: Likely pathogenic for Mucopolysaccharidosis, MPS-IV-A. Last evaluated: 2021-02-01. Review status: criteria provided, single submitter. Criteria: ACMG Guidelines, 2015. Collection method: curation. Allele origin: germline. Affected: yes.
Comment: Splicing variant in canonical site (PVS1_very strong); absent from gnomAD v2.1.1 (PM2_moderate)

Women's Health and Genetics/Laboratory Corporation of America, LabCorp
Classification: Likely pathogenic for Morquio syndrome. Last evaluated: 2017-12-05. Review status: criteria provided, single submitter. Criteria: LabCorp Variant Classification Summary - May 2015. Collection method: clinical testing. Allele origin: germline.
Comment: Variant summary: The GALNS c.899-2A>G variant involves the alteration of a conserved intronic nucleotide. One in silico tool predicts a damaging outcome for this variant. 5/5 splice prediction tools predict the complete loss of a cannonical splice acceptor site. However, these predictions have yet to be confirmed by functional studies. This variant is absent in 243962 control chromosomes (gnomAD). The variant has been reported in one affected individual in the literature (Tomatsu_2004), and has been cited by a clinical lab with a classification of "pathogenic". Taken together, this variant is classified as likely pathogenic.

Literature cited by the submitters: PubMed 16199547 (cited by Labcorp Genetics (formerly Invitae), Labcorp); PubMed 12442278 (cited by Labcorp Genetics (formerly Invitae), Labcorp); PubMed 15235041 (cited by 3 submitters); PubMed 24120057 (cited by Labcorp Genetics (formerly Invitae), Labcorp); PubMed 34387910 (cited by Laboratory of Diagnosis and Therapy of Lysosomal Disorders, University of Padova).

NM_000512.5(GALNS):c.899-2A>G

Gene: GALNS (galactosamine (N-acetyl)-6-sulfatase; minus strand). Cytogenetic location: 16q24.3.
Variant type: single nucleotide variant.
Coding change: c.899-2A>G on transcript NM_000512.5 (MANE Select); the canonical splice acceptor site of the intron before coding-DNA position 899, A replaced by G.
Molecular consequence: splice acceptor variant.
Genome position (GRCh38, 1-based): chr16:88,832,103, T>C on the plus strand (A>G on the coding strand, the complement: GALNS is on the minus strand). VCF-style: chr16-88832103-T-C. GRCh37 (hg19) VCF-style: chr16-88898511-T-C.
Other names: c.344-2A>G (NM_001323543.2); c.917-2A>G (NM_001323544.2).
Identifiers: ClinVar variation 633231 (VCV000633231.8), dbSNP rs1165218506, ClinGen allele CA397101527.